The following is an entry in ClinVar:

NM_182914.3(SYNE2):c.10631G>T (p.Ser3544Ile)

Gene: SYNE2 (spectrin repeat containing nuclear envelope protein 2; plus strand). Cytogenetic location: 14q23.2.
Variant type: single nucleotide variant.
Coding change: c.10631G>T on transcript NM_182914.3 (MANE Select); coding-DNA position 10631, G replaced by T.
Protein change: p.Ser3544Ile; replaces serine 3544 with isoleucine.
Molecular consequence: missense variant.
Genome position (GRCh38, 1-based): chr14:64,070,844, G>T. VCF-style: chr14-64070844-G-T. GRCh37 (hg19) VCF-style: chr14-64537562-G-T.
Other names: c.10631G>T, p.Ser3544Ile (NM_015180.6); short protein forms S3544I.
Identifiers: ClinVar variation 845635 (VCV000845635.12), dbSNP rs200109813, ClinGen allele CA7221565.

ClinVar aggregate classification (germline): Uncertain significance. Review status: criteria provided, multiple submitters, no conflicts (2 of 4 stars). 2 submissions from 2 submitters: Uncertain significance (2). Last evaluated 2025-09-24.

Conditions:
Emery-Dreifuss muscular dystrophy 5, autosomal dominant (EDMD5). Also called: EMERY-DREIFUSS MUSCULAR DYSTROPHY 5. Identifiers: Orphanet 261, MedGen C2751805, MONDO:0013072, OMIM 612999.

Allele frequency attached by ClinVar (database versions not stated): ExAC 0.00004; gnomAD 0.00015 and 0.00018; 1000 Genomes Project 30x 0.00016; ESP Exome Variant Server 0.00017; 1000 Genomes Project 0.00020; TOPMed 0.00021.
gnomAD v4.1: 47 of 1,614,184 alleles (0.0029%); highest among the groups gnomAD compares: African/African-American, 0.051%; no homozygotes.

Submissions (2):

Labcorp Genetics (formerly Invitae), Labcorp
Classification: Uncertain significance for Emery-Dreifuss muscular dystrophy 5, autosomal dominant. Last evaluated: 2025-09-24. Review status: criteria provided, single submitter. Criteria: Invitae Variant Classification Sherloc (09022015). Collection method: clinical testing. Allele origin: germline.
Comment: This sequence change replaces serine, which is neutral and polar, with isoleucine, which is neutral and non-polar, at codon 3544 of the SYNE2 protein (p.Ser3544Ile). This variant is present in population databases (rs200109813, gnomAD 0.06%), and has an allele count higher than expected for a pathogenic variant. This variant has not been reported in the literature in individuals affected with SYNE2-related conditions. ClinVar contains an entry for this variant (Variation ID: 845635). An algorithm developed to predict the effect of missense changes on protein structure and function (PolyPhen-2) suggests that this variant is likely to be tolerated. In summary, the available evidence is currently insufficient to determine the role of this variant in disease. Therefore, it has been classified as a Variant of Uncertain Significance.

Ambry Genetics
Classification: Uncertain significance. Last evaluated: 2025-05-19. Review status: criteria provided, single submitter. Criteria: Ambry Variant Classification Scheme 2023. Collection method: clinical testing. Allele origin: germline.